The following is an entry in ClinVar:

ClinVar aggregate classification (germline): Uncertain significance (1 of 4 stars; one submission).

Allele frequency attached by ClinVar (database versions not stated): gnomAD exomes below 0.00001; TOPMed below 0.00001.

Submission:

Labcorp Genetics (formerly Invitae), Labcorp
Classification: Uncertain significance. Last evaluated: 2021-07-27. Review status: criteria provided, single submitter. Criteria: Invitae Variant Classification Sherloc (09022015). Collection method: clinical testing. Allele origin: germline.
Comment: In summary, the available evidence is currently insufficient to determine the role of this variant in disease. Therefore, it has been classified as a Variant of Uncertain Significance. Algorithms developed to predict the effect of missense changes on protein structure and function are either unavailable or do not agree on the potential impact of this missense change (SIFT: "Deleterious"; PolyPhen-2: "Not Available"; Align-GVGD: "Class C65"). This variant has not been reported in the literature in individuals affected with GPX4-related conditions. This variant is not present in population databases (ExAC no frequency). This sequence change replaces lysine with asparagine at codon 169 of the GPX4 protein (p.Lys169Asn). The lysine residue is highly conserved and there is a moderate physicochemical difference between lysine and asparagine.

NM_002085.5(GPX4):c.396G>C (p.Lys132Asn)

Gene: GPX4 (glutathione peroxidase 4; plus strand). Cytogenetic location: 19p13.3.
Variant type: single nucleotide variant.
Coding change: c.396G>C on transcript NM_002085.5 (MANE Select); coding-DNA position 396, G replaced by C.
Protein change: p.Lys132Asn; replaces lysine 132 with asparagine.
Molecular consequence: missense variant.
Genome position (GRCh38, 1-based): chr19:1,105,729, G>C. VCF-style: chr19-1105729-G-C. GRCh37 (hg19) VCF-style: chr19-1105728-G-C.
Other names: c.396G>C, p.Lys132Asn (NM_001039847.3); c.507G>C, p.Lys169Asn (NM_001039848.4); c.315G>C, p.Lys105Asn (NM_001367832.1); short protein forms K105N, K132N, K169N.
Identifiers: ClinVar variation 1417051 (VCV001417051.6), dbSNP rs919663404, ClinGen allele CA303993932.